The following is an entry in ClinVar:

NM_013266.4(CTNNA3):c.2282G>C (p.Cys761Ser)

Gene: CTNNA3 (catenin alpha 3; minus strand). Cytogenetic location: 10q21.3.
Variant type: single nucleotide variant.
Coding change: c.2282G>C on transcript NM_013266.4 (MANE Select); coding-DNA position 2282, G replaced by C.
Protein change: p.Cys761Ser; replaces cysteine 761 with serine.
Molecular consequence: missense variant.
Genome position (GRCh38, 1-based): chr10:65,966,730, C>G on the plus strand (G>C on the coding strand, the complement: CTNNA3 is on the minus strand). VCF-style: chr10-65966730-C-G. GRCh37 (hg19) VCF-style: chr10-67726488-C-G.
Other names: c.2282G>C, p.Cys761Ser (NM_001127384.3); short protein forms C761S.
Identifiers: ClinVar variation 4819090 (VCV004819090.1).

ClinVar aggregate classification (germline): Uncertain significance (1 of 4 stars; one submission).

gnomAD v4.1: 3 of 1,611,584 alleles (0.00019%); highest among the groups gnomAD compares: East Asian, 0.0067%; no homozygotes.

Submission:

Clinical Genomics Laboratory, Stanford Medicine
Classification: Uncertain significance. Last evaluated: 2022-06-06. Review status: criteria provided, single submitter. Criteria: ACMG Guidelines, 2015. Collection method: clinical testing. Allele origin: germline. Observed: 1 variant allele, 1 heterozygote.
Comment: The p.Cys761Ser variant in the CTNNA3 gene has not been previously reported in association with disease. This variant has been identified in 1/18,358 East Asian chromosomes (1/250,644 chromosomes overall) by the Genome Aggregation Database. Although this variant has been seen in the general population, its frequency is low enough to be consistent with the prevalence of cardiomyopathy. The cysteine at position 761 is evolutionarily conserved. Computational tools predict that the p.Cys761Ser variant is neither deleterious nor benign; however, the accuracy of in silico algorithms is limited. These data were assessed using the ACMG/AMP variant interpretation guidelines. In summary, the significance of the p.Cys761Ser variant is uncertain. Additional information is needed to resolve the significance of this variant. [ACMG evidence codes used: PM2]_x000D_